The following is an entry in ClinVar:

NM_000067.3(CA2):c.434T>C (p.Ile145Thr)

Gene: CA2 (carbonic anhydrase 2; plus strand). Cytogenetic location: 8q21.2.
Variant type: single nucleotide variant.
Coding change: c.434T>C on transcript NM_000067.3 (MANE Select); coding-DNA position 434, T replaced by C.
Protein change: p.Ile145Thr; replaces isoleucine 145 with threonine.
Molecular consequence: missense variant.
Genome position (GRCh38, 1-based): chr8:85,474,406, T>C. VCF-style: chr8-85474406-T-C. GRCh37 (hg19) VCF-style: chr8-86386635-T-C.
Other names: c.131T>C, p.Ile44Thr (NM_001293675.2); c.434T>C (NM_000067.2); short protein forms I145T, I44T.
Identifiers: ClinVar variation 1985815 (VCV001985815.6), dbSNP rs781385340, ClinGen allele CA4796518.

ClinVar aggregate classification (germline): Uncertain significance. Review status: criteria provided, multiple submitters, no conflicts (2 of 4 stars). 3 submissions from 3 submitters: Uncertain significance (3). Last evaluated 2025-06-12.

Conditions:
Inborn genetic diseases. Identifiers: MedGen C0950123, MeSH D030342.
Osteopetrosis with renal tubular acidosis (OPTB3). Also called: Autosomal recessive osteopetrosis 3. Identifiers: Orphanet 2785, MedGen C0345407, MONDO:0009818, OMIM 259730.

Allele frequency attached by ClinVar (database versions not stated): ExAC 0.00001; gnomAD exomes 0.00001; TOPMed 0.00003.
gnomAD v4.1: 17 of 1,611,384 alleles (0.0011%); highest among the groups gnomAD compares: Admixed American, 0.0033%; no homozygotes.

Submissions (3):

Labcorp Genetics (formerly Invitae), Labcorp
Classification: Uncertain significance. Last evaluated: 2025-06-12. Review status: criteria provided, single submitter. Criteria: Invitae Variant Classification Sherloc (09022015). Collection method: clinical testing. Allele origin: germline.
Comment: This sequence change replaces isoleucine, which is neutral and non-polar, with threonine, which is neutral and polar, at codon 145 of the CA2 protein (p.Ile145Thr). This variant is present in population databases (rs781385340, gnomAD 0.003%). This variant has not been reported in the literature in individuals affected with CA2-related conditions. ClinVar contains an entry for this variant (Variation ID: 1985815). Invitae Evidence Modeling of protein sequence and biophysical properties (such as structural, functional, and spatial information, amino acid conservation, physicochemical variation, residue mobility, and thermodynamic stability) indicates that this missense variant is not expected to disrupt CA2 protein function with a negative predictive value of 80%. In summary, the available evidence is currently insufficient to determine the role of this variant in disease. Therefore, it has been classified as a Variant of Uncertain Significance.

Ambry Genetics
Classification: Uncertain significance for Inborn genetic diseases. Last evaluated: 2025-03-05. Review status: criteria provided, single submitter. Criteria: Ambry Variant Classification Scheme 2023. Collection method: clinical testing. Allele origin: germline.

Fulgent Genetics
Classification: Uncertain significance for Osteopetrosis with renal tubular acidosis. Last evaluated: 2024-04-01. Review status: criteria provided, single submitter. Criteria: ACMG Guidelines, 2015. Collection method: clinical testing. Allele origin: germline.